The following is an entry in ClinVar:

ClinVar aggregate classification (germline): Uncertain significance. Review status: criteria provided, multiple submitters, no conflicts (2 of 4 stars). 2 submissions from 2 submitters: Uncertain significance (2). Last evaluated 2024-01-09.

Conditions:
Inborn genetic diseases. Identifiers: MedGen C0950123, MeSH D030342.
Spastic paraplegia. Identifiers: MedGen C0037772, HP:0001258.

Allele frequency attached by ClinVar (database versions not stated): gnomAD 0.00001; ExAC 0.00002; gnomAD exomes 0.00002; TOPMed 0.00002; 1000 Genomes Project 30x 0.00016; 1000 Genomes Project 0.00020.

Submissions (2):

Ambry Genetics
Classification: Uncertain significance for Inborn genetic diseases. Last evaluated: 2024-01-09. Review status: criteria provided, single submitter. Criteria: Ambry Variant Classification Scheme 2023. Collection method: clinical testing. Allele origin: germline.

Labcorp Genetics (formerly Invitae), Labcorp
Classification: Uncertain significance for Spastic paraplegia. Last evaluated: 2022-02-10. Review status: criteria provided, single submitter. Criteria: Invitae Variant Classification Sherloc (09022015). Collection method: clinical testing. Allele origin: germline.
Comment: This sequence change replaces arginine, which is basic and polar, with histidine, which is basic and polar, at codon 164 of the GBA2 protein (p.Arg164His). This variant is present in population databases (rs192753525, gnomAD 0.006%). This variant has not been reported in the literature in individuals affected with GBA2-related conditions. ClinVar contains an entry for this variant (Variation ID: 458303). Algorithms developed to predict the effect of missense changes on protein structure and function are either unavailable or do not agree on the potential impact of this missense change (SIFT: "Deleterious"; PolyPhen-2: "Probably Damaging"; Align-GVGD: "Class C0"). In summary, the available evidence is currently insufficient to determine the role of this variant in disease. Therefore, it has been classified as a Variant of Uncertain Significance.

NM_020944.3(GBA2):c.491G>A (p.Arg164His)

Gene: GBA2 (glucosylceramidase beta 2; minus strand). Cytogenetic location: 9p13.3.
Variant type: single nucleotide variant.
Coding change: c.491G>A on transcript NM_020944.3 (MANE Select); coding-DNA position 491, G replaced by A.
Protein change: p.Arg164His; replaces arginine 164 with histidine.
Molecular consequence: missense variant.
Genome position (GRCh38, 1-based): chr9:35,744,373, C>T on the plus strand (G>A on the coding strand, the complement: GBA2 is on the minus strand). VCF-style: chr9-35744373-C-T. GRCh37 (hg19) VCF-style: chr9-35744370-C-T.
Other names: c.491G>A, p.Arg164His (NM_001330660.2); short protein forms R164H.
Identifiers: ClinVar variation 458303 (VCV000458303.7), dbSNP rs192753525, ClinGen allele CA5050703.